The following is an entry in ClinVar:

NM_000642.3(AGL):c.186C>G (p.Phe62Leu)

Gene: AGL (amylo-alpha-1,6-glucosidase and 4-alpha-glucanotransferase; plus strand). Cytogenetic location: 1p21.2.
Variant type: single nucleotide variant.
Coding change: c.186C>G on transcript NM_000642.3 (MANE Select); coding-DNA position 186, C replaced by G.
Protein change: p.Phe62Leu; replaces phenylalanine 62 with leucine.
Molecular consequence: missense variant.
Genome position (GRCh38, 1-based): chr1:99,861,606, C>G. VCF-style: chr1-99861606-C-G. GRCh37 (hg19) VCF-style: chr1-100327162-C-G.
Other names: c.186C>G, p.Phe62Leu (NM_000028.3, NM_000643.3, NM_000644.3 and 5 more transcripts); c.138C>G, p.Phe46Leu (NM_000646.3); short protein forms F62L, F46L.
Identifiers: ClinVar variation 1045170 (VCV001045170.7), dbSNP rs146234738, ClinGen allele CA966080.

ClinVar aggregate classification (germline): Uncertain significance (1 of 4 stars; one submission).

Conditions:
Glycogen storage disease type III (GSD3). Also called: Cori disease; FORBES DISEASE. Identifiers: Orphanet 366, MedGen C0017922, MONDO:0009291, OMIM 232400.

Allele frequency attached by ClinVar (database versions not stated): gnomAD exomes below 0.00001; ExAC 0.00001.
gnomAD v4.1: 4 of 1,613,872 alleles (0.00025%); highest among the groups gnomAD compares: South Asian, 0.0044%; 1 homozygote.

Submission:

Labcorp Genetics (formerly Invitae), Labcorp
Classification: Uncertain significance for Glycogen storage disease type III. Last evaluated: 2022-03-18. Review status: criteria provided, single submitter. Criteria: Invitae Variant Classification Sherloc (09022015). Collection method: clinical testing. Allele origin: germline.
Comment: This sequence change replaces phenylalanine, which is neutral and non-polar, with leucine, which is neutral and non-polar, at codon 62 of the AGL protein (p.Phe62Leu). This variant is present in population databases (rs146234738, gnomAD 0.003%). This variant has not been reported in the literature in individuals affected with AGL-related conditions. ClinVar contains an entry for this variant (Variation ID: 1045170). Algorithms developed to predict the effect of missense changes on protein structure and function are either unavailable or do not agree on the potential impact of this missense change (SIFT: "Deleterious"; PolyPhen-2: "Benign"; Align-GVGD: "Class C0"). In summary, the available evidence is currently insufficient to determine the role of this variant in disease. Therefore, it has been classified as a Variant of Uncertain Significance.